The following is an entry in ClinVar:

ClinVar aggregate classification (germline): Uncertain significance (1 of 4 stars; one submission).

Conditions:
Epilepsy. Also called: Seizure disorder. Identifiers: MedGen C0014544, MeSH D004827, MONDO:0005027.

Allele frequency attached by ClinVar (database versions not stated): ESP Exome Variant Server 0.00008.
gnomAD v4.1: 15 of 1,605,394 alleles (0.00093%); highest among the groups gnomAD compares: Non-Finnish European, 0.0013%; no homozygotes.

Submission:

Labcorp Genetics (formerly Invitae), Labcorp
Classification: Uncertain significance for Epilepsy. Last evaluated: 2021-08-30. Review status: criteria provided, single submitter. Criteria: Invitae Variant Classification Sherloc (09022015). Collection method: clinical testing. Allele origin: germline.
Comment: This sequence change replaces alanine with glutamic acid at codon 202 of the PIGQ protein (p.Ala202Glu). The alanine residue is weakly conserved and there is a moderate physicochemical difference between alanine and glutamic acid. This variant is not present in population databases (ExAC no frequency). This variant has not been reported in the literature in individuals affected with PIGQ-related conditions. Algorithms developed to predict the effect of missense changes on protein structure and function are either unavailable or do not agree on the potential impact of this missense change (SIFT: "Deleterious"; PolyPhen-2: "Possibly Damaging"; Align-GVGD: "Class C0"). In summary, the available evidence is currently insufficient to determine the role of this variant in disease. Therefore, it has been classified as a Variant of Uncertain Significance.

NM_004204.5(PIGQ):c.605C>A (p.Ala202Glu)

Gene: PIGQ (phosphatidylinositol glycan anchor biosynthesis class Q; plus strand). Cytogenetic location: 16p13.3.
Variant type: single nucleotide variant.
Coding change: c.605C>A on transcript NM_004204.5 (MANE Select); coding-DNA position 605, C replaced by A.
Protein change: p.Ala202Glu; replaces alanine 202 with glutamic acid.
Molecular consequence: missense variant.
Genome position (GRCh38, 1-based): chr16:574,679, C>A. VCF-style: chr16-574679-C-A. GRCh37 (hg19) VCF-style: chr16-624679-C-A.
Other names: c.605C>A, p.Ala202Glu (NM_148920.4); short protein forms A202E.
Identifiers: ClinVar variation 1364939 (VCV001364939.5), dbSNP rs368941189, ClinGen allele CA276482298.
Genomic context (GRCh38, chr16:574,679, plus strand): 5'-ATGAGGGCCCCGTGCGGCTGAGCCACTGGCAGTCGGAGGGCGTGGAGGCCAGCATCCTCG[C>A]GGAGCTGGCCAGGCGAGCCTCGGGACCCATTTGCCTGCTGTTGGCCAGCCTGCTGTCGCT-3'
Protein context (NP_004195.2, residues 192-212): QSEGVEASIL[Ala202Glu]ELARRASGPI